The following is an entry in ClinVar:

ClinVar aggregate classification (germline): Uncertain significance (1 of 4 stars; one submission).

Conditions:
MCCC2-related disorder. Also called: MCCC2-related condition.

Allele frequency attached by ClinVar (database versions not stated): ESP Exome Variant Server 0.00008.

Submission:

PreventionGenetics, part of Exact Sciences
Classification: Uncertain significance for MCCC2-related condition. Last evaluated: 2023-05-08. Review status: criteria provided, single submitter. Criteria: ACMG Guidelines, 2015. Collection method: clinical testing. Allele origin: germline.
Comment: The MCCC2 c.214C>G variant is predicted to result in the amino acid substitution p.Arg72Gly. To our knowledge, this variant has not been reported in the literature. This variant is reported in 0.0062% of alleles in individuals of African descent in gnomAD. At this time, the clinical significance of this variant is uncertain due to the absence of conclusive functional and genetic evidence.

NM_022132.5(MCCC2):c.214C>G (p.Arg72Gly)

Gene: MCCC2 (methylcrotonyl-CoA carboxylase subunit 2; plus strand). Cytogenetic location: 5q13.2.
Variant type: single nucleotide variant.
Coding change: c.214C>G on transcript NM_022132.5 (MANE Select); coding-DNA position 214, C replaced by G.
Protein change: p.Arg72Gly; replaces arginine 72 with glycine.
Molecular consequence: missense variant.
Genome position (GRCh38, 1-based): chr5:71,596,297, C>G. VCF-style: chr5-71596297-C-G. GRCh37 (hg19) VCF-style: chr5-70892124-C-G.
Other names: c.214C>G, p.Arg72Gly (NM_001363147.1); short protein forms R72G.
Identifiers: ClinVar variation 2629394 (VCV002629394.1), dbSNP rs147903984, ClinGen allele CA3297705.
Genomic context (GRCh38, chr5:71,596,297, plus strand): 5'-TATCGTGTCAATCTAATCTAATCTAATCACATTTCTATCATAGGAGGTGGTGAGAAAGCC[C>G]GAGCACTTCACATATCAAGAGGAAAACTATTGCCCAGAGAAAGAATTGACAATCTCATAG-3'
Protein context (NP_071415.1, residues 62-82): HIKLGGGEKA[Arg72Gly]ALHISRGKLL